The following is an entry in ClinVar:

NM_003238.6(TGFB2):c.1235A>C (p.Lys412Thr)

Gene: TGFB2 (transforming growth factor beta 2; plus strand). Cytogenetic location: 1q41.
Variant type: single nucleotide variant.
Coding change: c.1235A>C on transcript NM_003238.6 (MANE Select); coding-DNA position 1235, A replaced by C.
Protein change: p.Lys412Thr; replaces lysine 412 with threonine.
Molecular consequence: missense variant. On other transcripts: non-coding transcript variant (2).
Genome position (GRCh38, 1-based): chr1:218,441,352, A>C. VCF-style: chr1-218441352-A-C. GRCh37 (hg19) VCF-style: chr1-218614694-A-C.
Other names: c.1319A>C, p.Lys440Thr (NM_001135599.4); c.1235A>C (NM_003238.3); short protein forms K440T, K412T.
Identifiers: ClinVar variation 1448978 (VCV001448978.7), dbSNP rs2102634517, ClinGen allele CA344728085.

ClinVar aggregate classification (germline): Uncertain significance. Review status: criteria provided, multiple submitters, no conflicts (2 of 4 stars). 2 submissions from 2 submitters: Uncertain significance (2). Last evaluated 2024-06-28.

Conditions:
Loeys-Dietz syndrome 4 (LDS4). Also called: ANEURYSM, AORTIC AND CEREBRAL, WITH ARTERIAL TORTUOSITY AND SKELETAL MANIFESTATIONS; TGFB2-Related Loeys-Dietz Syndrome. Identifiers: MedGen C3553762, MONDO:0013897, OMIM 614816.

Submissions (2):

Labcorp Genetics (formerly Invitae), Labcorp
Classification: Uncertain significance for Loeys-Dietz syndrome 4. Last evaluated: 2024-06-28. Review status: criteria provided, single submitter. Criteria: Invitae Variant Classification Sherloc (09022015). Collection method: clinical testing. Allele origin: germline.
Comment: This sequence change replaces lysine, which is basic and polar, with threonine, which is neutral and polar, at codon 412 of the TGFB2 protein (p.Lys412Thr). This variant is not present in population databases (gnomAD no frequency). This variant has not been reported in the literature in individuals affected with TGFB2-related conditions. ClinVar contains an entry for this variant (Variation ID: 1448978). Advanced modeling of protein sequence and biophysical properties (such as structural, functional, and spatial information, amino acid conservation, physicochemical variation, residue mobility, and thermodynamic stability) performed at Invitae indicates that this missense variant is not expected to disrupt TGFB2 protein function with a negative predictive value of 80%. In summary, the available evidence is currently insufficient to determine the role of this variant in disease. Therefore, it has been classified as a Variant of Uncertain Significance.

GeneDx
Classification: Uncertain significance. Last evaluated: 2024-03-11. Review status: criteria provided, single submitter. Criteria: GeneDx Variant Classification Process June 2021. Collection method: clinical testing. Allele origin: germline. Affected: yes.
Comment: Not observed at significant frequency in large population cohorts (gnomAD); In silico analysis supports that this missense variant has a deleterious effect on protein structure/function; Has not been previously published as pathogenic or benign to our knowledge